The following is an entry in ClinVar:

ClinVar aggregate classification (germline): Likely benign (0 of 4 stars; one submission).

Conditions:
DMXL1-related disorder. Also called: DMXL1-related condition.

Allele frequency attached by ClinVar (database versions not stated): TOPMed 0.00003; gnomAD 0.00005; gnomAD exomes 0.00006; ExAC 0.00007; 1000 Genomes Project 0.00020; 1000 Genomes Project 30x 0.00047.
gnomAD v4.1: 100 of 1,613,888 alleles (0.0062%); highest among the groups gnomAD compares: South Asian, 0.056%; 1 homozygote.

Submission:

PreventionGenetics, part of Exact Sciences
Classification: Likely benign for DMXL1-related condition. Last evaluated: 2019-04-03. Review status: no assertion criteria provided. Collection method: clinical testing. Allele origin: germline.
Comment: This variant is classified as likely benign based on ACMG/AMP sequence variant interpretation guidelines (Richards et al. 2015 PMID: 25741868, with internal and published modifications).

NM_001290321.3(DMXL1):c.6213G>A (p.Gln2071=)

Gene: DMXL1 (Dmx like 1; plus strand). Cytogenetic location: 5q23.1.
Variant type: single nucleotide variant.
Coding change: c.6213G>A on transcript NM_001290321.3 (MANE Select); coding-DNA position 6213, G replaced by A.
Protein change: p.Gln2071=; no amino-acid change (glutamine 2071 retained).
Molecular consequence: synonymous variant. On other transcripts: non-coding transcript variant (3).
Genome position (GRCh38, 1-based): chr5:119,171,004, G>A. VCF-style: chr5-119171004-G-A. GRCh37 (hg19) VCF-style: chr5-118506699-G-A.
Other names: c.6213G>A, p.Gln2071= (NM_001349239.2, NM_001349240.2, NM_001387933.1 and 2 more transcripts); c.5508G>A, p.Gln1836= (NM_001387937.1); c.5226G>A, p.Gln1742= (NM_001387938.1).
Identifiers: ClinVar variation 3058429 (VCV003058429.2), dbSNP rs549566961, ClinGen allele CA3380515.